The following is an entry in ClinVar:

NM_001136191.3(KANK2):c.332A>G (p.Tyr111Cys)

Gene: KANK2 (KN motif and ankyrin repeat domains 2; minus strand). Cytogenetic location: 19p13.2.
Variant type: single nucleotide variant.
Coding change: c.332A>G on transcript NM_001136191.3 (MANE Select); coding-DNA position 332, A replaced by G.
Protein change: p.Tyr111Cys; replaces tyrosine 111 with cysteine.
Molecular consequence: missense variant.
Genome position (GRCh38, 1-based): chr19:11,193,748, T>C on the plus strand (A>G on the coding strand, the complement: KANK2 is on the minus strand). VCF-style: chr19-11193748-T-C. GRCh37 (hg19) VCF-style: chr19-11304424-T-C.
Other names: c.332A>G, p.Tyr111Cys (NM_001329451.2, NM_001379548.1, NM_001379549.1 and 15 more transcripts); c.332A>G (NM_015493.6); short protein forms Y111C.
Identifiers: ClinVar variation 1615267 (VCV001615267.10), dbSNP rs144137649, ClinGen allele CA9206100.
Genomic context (GRCh38, chr19:11,193,748, plus strand): 5'-GCATCCAGCAGCGTGCGCTCCACCCGCGGATTGAAGCCACCGCGGGTCTCCAGAGCACCA[T>C]ACTGAGGGTAGAAGCCACGGCCGCAGTAGGAATAGGCTGAGTGGCGGCTGTCCCCACTGG-3'
Protein context (NP_001129663.1, residues 101-121): SYCGRGFYPQ[Tyr111Cys]GALETRGGFN

ClinVar aggregate classification (germline): Likely benign. Review status: criteria provided, single submitter (1 of 4 stars). 2 submissions from 2 submitters: Likely benign (1). 1 of the submissions does not count toward it. Last evaluated 2025-07-09.

Conditions:
KANK2-related disorder. Also called: KANK2-related condition.

Allele frequency attached by ClinVar (database versions not stated): gnomAD exomes 0.00031; ExAC 0.00038; 1000 Genomes Project 0.00060; 1000 Genomes Project 30x 0.00078; gnomAD 0.00138 and 0.00154; TOPMed 0.00158; ESP Exome Variant Server 0.00192.
gnomAD v4.1: 433 of 1,612,514 alleles (0.027%); highest among the groups gnomAD compares: African/African-American, 0.47%; no homozygotes.

Submissions (2):

Labcorp Genetics (formerly Invitae), Labcorp
Classification: Likely benign. Last evaluated: 2025-07-09. Review status: criteria provided, single submitter. Criteria: Invitae Variant Classification Sherloc (09022015). Collection method: clinical testing. Allele origin: germline.

PreventionGenetics, part of Exact Sciences
Classification: Likely benign for KANK2-related condition. Last evaluated: 2022-03-03. Review status: no assertion criteria provided. Collection method: clinical testing. Allele origin: germline. Not counted in ClinVar's aggregate classification.
Comment: This variant is classified as likely benign based on ACMG/AMP sequence variant interpretation guidelines (Richards et al. 2015 PMID: 25741868, with internal and published modifications).